The following is an entry in ClinVar:

NM_152419.3(HGSNAT):c.119-2A>G

Gene: HGSNAT (heparan-alpha-glucosaminide N-acetyltransferase; plus strand). Cytogenetic location: 8p11.21.
Variant type: single nucleotide variant.
Coding change: c.119-2A>G on transcript NM_152419.3 (MANE Select); the canonical splice acceptor site of the intron before coding-DNA position 119, A replaced by G.
Molecular consequence: splice acceptor variant.
Genome position (GRCh38, 1-based): chr8:43,146,946, A>G. VCF-style: chr8-43146946-A-G. GRCh37 (hg19) VCF-style: chr8-43002089-A-G.
Other names: c.119-2A>G (NM_001363227.2, NM_001363228.2); c.-715-2A>G (NM_001363229.2).
Identifiers: ClinVar variation 4856909 (VCV004856909.2).
Genomic context (GRCh38, chr8:43,146,946, plus strand): 5'-TCTCTAACACATCTTTCGGGTGCCTTTTTTTTTTTTTTTTAACTTTTCCTAATTTCTACC[A>G]GACTTAGACAAAAAAAGACATGCAGAGCTGAAGATGGATCAGGCTTTGCTACTCATCCAT-3'

ClinVar aggregate classification (germline): Likely pathogenic (1 of 4 stars; one submission).

Submission:

Dasa
Classification: Likely pathogenic. Last evaluated: 2025-06-23. Review status: criteria provided, single submitter. Criteria: DASA Assertion Criteria. Collection method: clinical testing. Allele origin: germline.
Comment: NM_152419.3(HGSNAT):c.119-2A>G affects a canonical splice site and is predicted to disrupt normal RNA splicing. Loss of function is an established disease mechanism for HGSNAT-associated disorders. Also, this variant is absent from population databases. Based on the currently available evidence, this variant is classified as likely pathogenic.